The following is an entry in ClinVar:

NC_012920.1(MT-CO3):m.9804G>A

Gene: MT-CO3 (mitochondrially encoded cytochrome c oxidase III; plus strand).
Variant type: single nucleotide variant.
Genome position: chrM-9804-G-A.
Identifiers: ClinVar variation 9652 (VCV000009652.20), dbSNP rs200613617, ClinGen allele CA340930.
Genomic context (GRCh38, chrMT:9,804, plus strand): 5'-GAGTACTTCGAGTCTCCCTTCACCATTTCCGACGGCATCTACGGCTCAACATTTTTTGTA[G>A]CCACAGGCTTCCACGGACTTCACGTCATTATTGGCTCAACTTTCCTCACTATCTGCTTCA-3'

ClinVar aggregate classification (germline): Uncertain significance. Review status: reviewed by expert panel (3 of 4 stars). 9 submissions from 9 submitters: Uncertain significance (1). 8 of the submissions do not count toward it. Last evaluated 2023-09-26.

Conditions:
Mitochondrial disease. Also called: Mitochondrial disorder; Mitochondrial disorders. Identifiers: Orphanet 68380, MedGen C0751651, MeSH D028361, MONDO:0044970.
Leber optic atrophy (LHON). Also called: Optic Atrophy, Hereditary, Leber; Leber hereditary optic neuropathy; Leber's disease; Leber's optic atrophy. Identifiers: Orphanet 104, MedGen C0917796, MONDO:0010788, OMIM 535000, HP:0001112.
Leigh syndrome (NULS). Also called: Leigh's necrotizing encephalopathy; Leigh's disease; Leigh's syndrome; LEIGH SYNDROME, NUCLEAR; Leigh Disease; Leigh Syndrome (mtDNA deletion). Identifiers: Orphanet 506, MedGen C2931891, MONDO:0009723, OMIM 256000.

Submissions (9):

ClinGen Mitochondrial Disease Nuclear and Mitochondrial  Variant Curation Expert Panel, ClinGen
Classification: Uncertain significance for Mitochondrial disease. Last evaluated: 2023-09-26. Review status: reviewed by expert panel. Criteria: clingen mito disease acmg specifications v1-1. Collection method: curation. Allele origin: germline. Inheritance: Mitochondrial inheritance.
Comment: The m.9804G>A (p.A200T) variant in MT-CO3 has been reported in seven unrelated individuals with primary mitochondrial disease (PS4_moderate; PMIDs: 8240356, 17895983, 11339587, 11579587, 30831606). Six cases had Leber Hereditary Optic Neuropathy (LHON; PMIDs: 8240356, 11339587, 11579587, 30831606) and the variant was reported to be homoplasmic in four, heteroplasmic in one (level not provided), and the level was not provided in another. Limited clinical details were available from the seventh case but this child was described as having encephalopathy and the variant present at homoplasmy (PMID: 17895983). There were no reported de novo occurrences and there were no reports of the variant segregating with clinical manifestations in a family. This variant is present in population databases and is seen in individuals from several different haplogroups (MITOMAP: 0.296%, 183/61,883; gnomAD v3.1.2: 0.363%, 205/56,420 homoplasmic occurrences in addition to 15 heteroplasmic occurrences; Helix: 0.472%, 926/195,893 homoplasmic occurrences in addition to 30 heteroplasmic occurrences).The computational predictor APOGEE gives a consensus rating of pathogenic with a score of 0.866 (Min=0, Max=1), which predicts a damaging effect on gene function (PP3). In summary, this variant meets criteria to be classified as uncertain significance for primary mitochondrial disease inherited in a mitochondrial manner. This classification was approved by the NICHD/NINDS U24 ClinGen Mitochondrial Disease Variant Curation Expert Panel on September 26, 2023. Mitochondrial DNA-specific ACMG/AMP criteria applied (PMID: 32906214): PS4_moderate, PP3.

Laboratory of Genetics, Children's Clinical University Hospital Latvia
Classification: Uncertain significance. Last evaluated: 2025-02-16. Review status: criteria provided, single submitter. Criteria: ACMG Guidelines, 2015. Collection method: clinical testing. Allele origin: germline. Affected: yes. Not counted in ClinVar's aggregate classification.

Laboratory for Molecular Medicine, Mass General Brigham Personalized Medicine
Classification: Benign. Last evaluated: 2023-11-13. Review status: criteria provided, single submitter. Criteria: ACMG Guidelines, 2015. Collection method: clinical testing. Allele origin: germline. Not counted in ClinVar's aggregate classification.
Comment: The m.9804G>A variant in MT-CO3 is classified as benign because it has been identified in 0.5% (128/25840) of homoplasmic European alleles by gnomAD. In addition it was found at 95% frequency in the H6c haplogroup. ACMG/AMP Criteria applied: BA1.

Wong Mito Lab, Molecular and Human Genetics, Baylor College of Medicine
Classification: Benign for Leigh syndrome. Last evaluated: 2019-10-17. Review status: criteria provided, single submitter. Criteria: Modified ACMG Guidelines (Unpublished). Collection method: clinical testing. Allele origin: germline. Not counted in ClinVar's aggregate classification.
Comment: The NC_012920.1:m.9804G>A (YP_003024032.1:p.Ala200Thr) variant in MTCO3 gene is interpretated to be a Benign variant based on the modified ACMG guidelines (unpublished). This variant meets the following evidence codes: BS1, BS2, BP4

Genomic Research Center, Shahid Beheshti University of Medical Sciences
Classification: Pathogenic for Leber optic atrophy. Last evaluated: 2017-12-03. Review status: criteria provided, single submitter. Criteria: ACMG Guidelines, 2015. Collection method: clinical testing. Allele origin: inherited. Affected: yes. Not counted in ClinVar's aggregate classification.

ARUP Laboratories, Molecular Genetics and Genomics, ARUP Laboratories
Classification: Uncertain significance. Last evaluated: 2017-11-21. Review status: criteria provided, single submitter. Criteria: ARUP Molecular Germline Variant Investigation Process. Collection method: clinical testing. Allele origin: germline. Not counted in ClinVar's aggregate classification.
Comment: The m.9804G>A variant (rs200613617) has been reported as a primary pathogenic variant involved in Leber's hereditary optic neuropathy (LOHN; Johns 1993, Dogulu 2001, Savontaus 1995), and as a secondary variant (Matsumoto 1999). Initial studies identified the variant in 4 independent families, while noting its absence from healthy controls (Johns 1993, Dogulu 2001). However, in one family, the m.9804G>A variant was present in 3 asymptomatic family members (Dogulu 2001). This variant has also been previously observed by our laboratory in two patients, one with optic atrophy and one with chronic myoclonic disorder, neither of whom carried other significant variant in the mitochondrial genome or in 108 nuclear-encoded genes with mitochondrial function. This variant is listed in Mitomap with an overall frequency of 0.28%, and is found in the H6c haplogroup with a frequency of 95%. No functional studies have been conducted to determine the impact of the m.9804G>A variant on complex IV function. While it is possible that m.9804G>A is the primary pathogenic variant in this patient, the frequency in the H6c haplogroup suggests that it is unlikely to be pathogenic; however, due to conflicting evidence in the literature, we cannot classify this variant with certainty.

Centre for Mendelian Genomics, University Medical Centre Ljubljana
Classification: Uncertain significance. Last evaluated: 2016-01-01. Review status: criteria provided, single submitter. Criteria: ACMG Guidelines, 2015. Collection method: clinical testing. Allele origin: unknown. Affected: yes. Not counted in ClinVar's aggregate classification.
Comment: This variant was classified as: Uncertain significance. The following ACMG criteria were applied in classifying this variant: PS1,PP3. This variant was detected in mitochondrial heteroplasmy state.

OMIM
Classification: Pathogenic for LEBER OPTIC ATROPHY. Last evaluated: 1993-10-29. Review status: no assertion criteria provided. Collection method: literature only. Allele origin: germline. Not counted in ClinVar's aggregate classification.

GeneReviews
No classification provided. Condition: Leber optic atrophy. Review status: no classification provided. Collection method: literature only. Allele origin: maternal. Not counted in ClinVar's aggregate classification.

Literature cited by the submitters: PubMed 8240356 (cited by OMIM); PubMed 30143805 (cited by GeneReviews); PubMed 20301353 (cited by GeneReviews).